The following is an entry in ClinVar:

ClinVar aggregate classification (germline): Benign (0 of 4 stars; one submission).

Conditions:
MAP1B-related disorder. Also called: MAP1B-related condition.

Allele frequency attached by ClinVar (database versions not stated): 1000 Genomes Project 30x 0.00609; 1000 Genomes Project 0.00639; ExAC 0.01113; gnomAD 0.01289; ESP Exome Variant Server 0.01661; gnomAD exomes 0.01866.

Submission:

PreventionGenetics, part of Exact Sciences
Classification: Benign for MAP1B-related condition. Last evaluated: 2019-02-27. Review status: no assertion criteria provided. Collection method: clinical testing. Allele origin: germline.
Comment: This variant is classified as benign based on ACMG/AMP sequence variant interpretation guidelines (Richards et al. 2015 PMID: 25741868, with internal and published modifications).

NM_005909.5(MAP1B):c.2386G>A (p.Ala796Thr)

Gene: MAP1B (microtubule associated protein 1B; plus strand). Cytogenetic location: 5q13.2.
Variant type: single nucleotide variant.
Coding change: c.2386G>A on transcript NM_005909.5 (MANE Select); coding-DNA position 2386, G replaced by A.
Protein change: p.Ala796Thr; replaces alanine 796 with threonine.
Molecular consequence: missense variant.
Genome position (GRCh38, 1-based): chr5:72,195,741, G>A. VCF-style: chr5-72195741-G-A. GRCh37 (hg19) VCF-style: chr5-71491568-G-A.
Other names: c.2008G>A, p.Ala670Thr (NM_001324255.2); short protein forms A670T, A796T.
Identifiers: ClinVar variation 3038000 (VCV003038000.2), dbSNP rs35473133, ClinGen allele CA3298814.